The following is an entry in ClinVar:

NM_201384.3(PLEC):c.10925A>G (p.Tyr3642Cys)

Gene: PLEC (plectin; minus strand). Cytogenetic location: 8q24.3.
Variant type: single nucleotide variant.
Coding change: c.10925A>G on transcript NM_201384.3 (MANE Select); coding-DNA position 10925, A replaced by G.
Protein change: p.Tyr3642Cys; replaces tyrosine 3642 with cysteine.
Molecular consequence: missense variant.
Genome position (GRCh38, 1-based): chr8:143,918,896, T>C on the plus strand (A>G on the coding strand, the complement: PLEC is on the minus strand). VCF-style: chr8-143918896-T-C. GRCh37 (hg19) VCF-style: chr8-144993064-T-C.
Other names: p.Tyr3669Cys; c.11006A>G, p.Tyr3669Cys (NM_000445.5); c.10883A>G, p.Tyr3628Cys (NM_201378.4); c.10859A>G, p.Tyr3620Cys (NM_201379.3); c.11336A>G, p.Tyr3779Cys (NM_201380.4); c.10829A>G, p.Tyr3610Cys (NM_201381.3); c.10925A>G, p.Tyr3642Cys (NM_201382.4); c.10937A>G, p.Tyr3646Cys (NM_201383.3); short protein forms Y3642C, Y3646C, Y3610C, Y3620C, Y3628C, Y3779C, Y3669C.
Identifiers: ClinVar variation 281287 (VCV000281287.26), dbSNP rs782531580, ClinGen allele CA4924497.

ClinVar aggregate classification (germline): Conflicting classifications of pathogenicity. Review status: criteria provided, conflicting classifications (1 of 4 stars). 5 submissions from 5 submitters: Uncertain significance (4); Likely benign (1). Last evaluated 2026-01-08.

Conditions:
Epidermolysis bullosa simplex with nail dystrophy (EBS5D). Identifiers: MedGen C4225309, MONDO:0014661, OMIM 616487.
Epidermolysis bullosa simplex 5C, with pyloric atresia (EBS5C). Also called: PLEC-Related Epidermolysis Bullosa with Pyloric Atresia; Epidermolysis bullosa simplex with pyloric atresia; PLEC1-Related Epidermolysis Bullosa with Pyloric Atresia. Identifiers: Orphanet 158684, MedGen C2677349, MONDO:0012807, OMIM 612138.
Autosomal recessive limb-girdle muscular dystrophy type 2Q (LGMDR17). Also called: MUSCULAR DYSTROPHY, LIMB-GIRDLE, AUTOSOMAL RECESSIVE 17. Identifiers: Orphanet 254361, MedGen C3150989, MONDO:0013390, OMIM 613723.
Epidermolysis bullosa simplex 5B, with muscular dystrophy (EBS5B). Also called: EPIDERMOLYSIS BULLOSA SIMPLEX AND LIMB-GIRDLE MUSCULAR DYSTROPHY; Epidermolysis bullosa simplex with muscular dystrophy. Identifiers: Orphanet 257, MedGen C2931072, MONDO:0009181, OMIM 226670.
Epidermolysis bullosa simplex, Ogna type (EBS5A). Also called: Pidermolysis bullosa simplex 5A, Ogna type; EPIDERMOLYSIS BULLOSA SIMPLEX 5A, OGNA TYPE. Identifiers: Orphanet 79401, MedGen C0432317, MONDO:0007555, OMIM 131950.

Allele frequency attached by ClinVar (database versions not stated): gnomAD 0.00005 and 0.00006; ExAC 0.00003; gnomAD exomes 0.00003 and 0.00011; TOPMed 0.00007.
gnomAD v4.1: 165 of 1,611,854 alleles (0.01%); highest among the groups gnomAD compares: Non-Finnish European, 0.014%; no homozygotes.

Submissions (5):

Labcorp Genetics (formerly Invitae), Labcorp
Classification: Uncertain significance for Autosomal recessive limb-girdle muscular dystrophy type 2Q; Epidermolysis bullosa simplex, Ogna type; Epidermolysis bullosa simplex with nail dystrophy; Epidermolysis bullosa simplex 5C, with pyloric atresia; Epidermolysis bullosa simplex 5B, with muscular dystrophy. Last evaluated: 2026-01-08. Review status: criteria provided, single submitter. Criteria: Invitae Variant Classification Sherloc (09022015). Collection method: clinical testing. Allele origin: germline.
Comment: This sequence change replaces tyrosine, which is neutral and polar, with cysteine, which is neutral and slightly polar, at codon 3669 of the PLEC protein (p.Tyr3669Cys). This variant is present in population databases (rs782531580, gnomAD 0.009%). This variant has not been reported in the literature in individuals affected with PLEC-related conditions. ClinVar contains an entry for this variant (Variation ID: 281287). An algorithm developed to predict the effect of missense changes on protein structure and function (PolyPhen-2) suggests that this variant is likely to be disruptive. In summary, the available evidence is currently insufficient to determine the role of this variant in disease. Therefore, it has been classified as a Variant of Uncertain Significance.

Mayo Clinic Laboratories, Mayo Clinic
Classification: Uncertain significance. Last evaluated: 2023-10-11. Review status: criteria provided, single submitter. Criteria: ACMG Guidelines, 2015. Collection method: clinical testing. Allele origin: germline. Observed: 1 variant allele.

Revvity Omics, Revvity
Classification: Uncertain significance. Last evaluated: 2021-10-11. Review status: criteria provided, single submitter. Criteria: ACMG Guidelines, 2015. Collection method: clinical testing. Allele origin: germline.

GeneDx
Classification: Likely benign. Last evaluated: 2021-05-04. Review status: criteria provided, single submitter. Criteria: GeneDx Variant Classification Process June 2021. Collection method: clinical testing. Allele origin: germline. Affected: yes.

Eurofins Ntd Llc (ga)
Classification: Uncertain significance. Last evaluated: 2015-07-10. Review status: criteria provided, single submitter. Criteria: EGL Classification Definitions 2015. Collection method: clinical testing. Allele origin: germline. Observed: 1 variant allele, 1 heterozygote.